The following is an entry in ClinVar:

NM_015559.3(SETBP1):c.3454C>T (p.His1152Tyr)

Gene: SETBP1 (SET binding protein 1; plus strand). Cytogenetic location: 18q12.3.
Variant type: single nucleotide variant.
Coding change: c.3454C>T on transcript NM_015559.3 (MANE Select); coding-DNA position 3454, C replaced by T.
Protein change: p.His1152Tyr; replaces histidine 1152 with tyrosine.
Molecular consequence: missense variant.
Genome position (GRCh38, 1-based): chr18:44,952,794, C>T. VCF-style: chr18-44952794-C-T. GRCh37 (hg19) VCF-style: chr18-42532759-C-T.
Other names: c.3454C>T, p.His1152Tyr (NM_001379141.1, NM_001379142.1, NM_001410862.1); short protein forms H1152Y.
Identifiers: ClinVar variation 3667000 (VCV003667000.2).
Genomic context (GRCh38, chr18:44,952,794, plus strand): 5'-CTGAACCCTCCCAAGGTAGGCAGTGCCAGTCTGTCCAGTGGTCGGCTCCATAAGAGGAAA[C>T]ACAAACACAAGCATAAGCACAAGGAAGACCGGATCCTAGGGACCCATGACAACCTGAGTG-3'
Protein context (NP_056374.2, residues 1142-1162): LSSGRLHKRK[His1152Tyr]KHKHKHKEDR

ClinVar aggregate classification (germline): Uncertain significance (1 of 4 stars; one submission).

gnomAD v4.1: 10 of 1,613,954 alleles (0.00062%); no homozygotes.

Submission:

Labcorp Genetics (formerly Invitae), Labcorp
Classification: Uncertain significance. Last evaluated: 2025-06-15. Review status: criteria provided, single submitter. Criteria: Invitae Variant Classification Sherloc (09022015). Collection method: clinical testing. Allele origin: germline.
Comment: This sequence change replaces histidine, which is basic and polar, with tyrosine, which is neutral and polar, at codon 1152 of the SETBP1 protein (p.His1152Tyr). This variant is present in population databases (no rsID available, gnomAD 0.02%). This variant has not been reported in the literature in individuals affected with SETBP1-related conditions. ClinVar contains an entry for this variant (Variation ID: 3667000). Invitae Evidence Modeling of protein sequence and biophysical properties (such as structural, functional, and spatial information, amino acid conservation, physicochemical variation, residue mobility, and thermodynamic stability) indicates that this missense variant is expected to disrupt SETBP1 protein function with a positive predictive value of 80%. In summary, the available evidence is currently insufficient to determine the role of this variant in disease. Therefore, it has been classified as a Variant of Uncertain Significance.